The following is an entry in ClinVar:

ClinVar aggregate classification (germline): Uncertain significance (1 of 4 stars; one submission).

Conditions:
Familial thoracic aortic aneurysm and aortic dissection (TAAD). Also called: Thoracic aortic aneurysms and dissections. Identifiers: Orphanet 91387, MedGen C4707243, MONDO:0019625.

gnomAD v4.1: 1 of 1,614,206 alleles (0.000062%); highest among the groups gnomAD compares: Non-Finnish European, 0.000085%; no homozygotes.

Submission:

Ambry Genetics
Classification: Uncertain significance for Familial thoracic aortic aneurysm and aortic dissection. Last evaluated: 2024-12-13. Review status: criteria provided, single submitter. Criteria: Ambry Variant Classification Scheme 2023. Collection method: clinical testing. Allele origin: germline.
Comment: The p.L895Q variant (also known as c.2684T>A), located in coding exon 15 of the MYLK gene, results from a T to A substitution at nucleotide position 2684. The leucine at codon 895 is replaced by glutamine, an amino acid with dissimilar properties. This amino acid position is not well conserved in available vertebrate species. In addition, this alteration is predicted to be deleterious by in silico analysis. Based on the available evidence, the clinical significance of this variant remains unclear.

NM_053025.4(MYLK):c.2684T>A (p.Leu895Gln)

Gene: MYLK (myosin light chain kinase; minus strand). Cytogenetic location: 3q21.1.
Variant type: single nucleotide variant.
Coding change: c.2684T>A on transcript NM_053025.4 (MANE Select); coding-DNA position 2684, T replaced by A.
Protein change: p.Leu895Gln; replaces leucine 895 with glutamine.
Molecular consequence: missense variant.
Genome position (GRCh38, 1-based): chr3:123,700,784, A>T on the plus strand (T>A on the coding strand, the complement: MYLK is on the minus strand). VCF-style: chr3-123700784-A-T. GRCh37 (hg19) VCF-style: chr3-123419631-A-T.
Other names: c.2156T>A, p.Leu719Gln (NM_001321309.2); c.2477T>A, p.Leu826Gln (NM_053026.4, NM_053028.4); c.2684T>A, p.Leu895Gln (NM_053027.4); short protein forms L826Q, L895Q, L719Q.
Identifiers: ClinVar variation 3876581 (VCV003876581.1).